The following is an entry in ClinVar:

ClinVar aggregate classification (germline): Uncertain significance. Review status: criteria provided, multiple submitters, no conflicts (2 of 4 stars). 2 submissions from 2 submitters: Uncertain significance (2). Last evaluated 2025-04-17.

Allele frequency attached by ClinVar (database versions not stated): gnomAD exomes below 0.00001.
gnomAD v4.1: 1 of 1,614,174 alleles (0.000062%); highest among the groups gnomAD compares: Admixed American, 0.0017%; no homozygotes.

Submissions (2):

Labcorp Genetics (formerly Invitae), Labcorp
Classification: Uncertain significance. Last evaluated: 2025-04-17. Review status: criteria provided, single submitter. Criteria: Invitae Variant Classification Sherloc (09022015). Collection method: clinical testing. Allele origin: germline.
Comment: This sequence change replaces aspartic acid, which is acidic and polar, with asparagine, which is neutral and polar, at codon 1023 of the KANK1 protein (p.Asp1023Asn). This variant is present in population databases (no rsID available, gnomAD 0.003%). This variant has not been reported in the literature in individuals affected with KANK1-related conditions. ClinVar contains an entry for this variant (Variation ID: 1436155). Invitae Evidence Modeling of protein sequence and biophysical properties (such as structural, functional, and spatial information, amino acid conservation, physicochemical variation, residue mobility, and thermodynamic stability) indicates that this missense variant is expected to disrupt KANK1 protein function with a positive predictive value of 80%. In summary, the available evidence is currently insufficient to determine the role of this variant in disease. Therefore, it has been classified as a Variant of Uncertain Significance.

Ambry Genetics
Classification: Uncertain significance. Last evaluated: 2024-01-08. Review status: criteria provided, single submitter. Criteria: Ambry Variant Classification Scheme 2023. Collection method: clinical testing. Allele origin: germline.

NM_015158.5(KANK1):c.3067G>A (p.Asp1023Asn)

Gene: KANK1 (KN motif and ankyrin repeat domains 1; plus strand). Cytogenetic location: 9p24.3.
Variant type: single nucleotide variant.
Coding change: c.3067G>A on transcript NM_015158.5 (MANE Select); coding-DNA position 3067, G replaced by A.
Protein change: p.Asp1023Asn; replaces aspartic acid 1023 with asparagine.
Molecular consequence: missense variant. On other transcripts: intron variant (5).
Genome position (GRCh38, 1-based): chr9:732,439, G>A. VCF-style: chr9-732439-G-A. GRCh37 (hg19) VCF-style: chr9-732439-G-A.
Other names: c.3067G>A, p.Asp1023Asn (NM_001256876.3, NM_001256877.3, NM_001354334.2); c.3013G>A, p.Asp1005Asn (NM_001354332.2); c.2593G>A, p.Asp865Asn (NM_001354333.2, NM_001354335.2, NM_001354337.2 and 2 more transcripts); c.2539G>A, p.Asp847Asn (NM_001354338.2, NM_001354340.2, NM_001354344.2); c.3005+1173G>A (NM_001354331.2); c.2477+1173G>A (NM_001354336.2); c.2531+1173G>A (NM_001354339.2, NM_001354343.2, NM_001354342.2); c.3067G>A (NM_015158.2); short protein forms D847N, D1005N, D1023N, D865N.
Identifiers: ClinVar variation 1436155 (VCV001436155.9), dbSNP rs1165245046, ClinGen allele CA372757089.